The following is an entry in ClinVar:

ClinVar aggregate classification (germline): Uncertain significance. Review status: criteria provided, multiple submitters, no conflicts (2 of 4 stars). 3 submissions from 3 submitters: Uncertain significance (3). Last evaluated 2025-02-02.

Conditions:
Renal cell carcinoma. Identifiers: Orphanet 217071, MedGen C0007134, MeSH D002292, MONDO:0005086, HP:0005584.
Hereditary cancer-predisposing syndrome. Also called: Tumor predisposition; Hereditary neoplastic syndrome; Neoplastic Syndromes, Hereditary; Hereditary Cancer Syndrome. Identifiers: Orphanet 140162, MedGen C0027672, MeSH D009386, MONDO:0015356.
Autosomal recessive nonsyndromic hearing loss 97. Also called: Deafness, autosomal recessive 97. Identifiers: Orphanet 90636, MedGen C4084709, MONDO:0014739, OMIM 616705.
Papillary renal cell carcinoma type 1 (RCCP1). Also called: RENAL CELL CARCINOMA, PAPILLARY, 1, SOMATIC; Renal adenocarcinoma; Renal cell carcinoma 1; Renal cell carcinoma, somatic. Identifiers: Orphanet 47044, MedGen C1336839, OMIM 605074, HP:0011797.
Hepatocellular carcinoma (HCC). Also called: Primary carcinoma of liver; HEPATOMA; LIVER CELL CARCINOMA. Identifiers: Orphanet 88673, MedGen C2239176, MONDO:0007256, OMIM 114550, HP:0001402.
Arthrogryposis, distal, IIa 11. Also called: Arthrogryposis, distal, type 11. Identifiers: MedGen C5774205, MONDO:0031045, OMIM 620019.
Osteofibrous dysplasia (OSFD). Also called: Tibia, bowing of, with pseudarthrosis and pectus excavatum. Identifiers: Orphanet 488265, MedGen C4085248, MONDO:0011806, OMIM 607278.

gnomAD v4.1: 12 of 1,614,212 alleles (0.00074%); highest among the groups gnomAD compares: Non-Finnish European, 0.001%; no homozygotes.

Submissions (3):

Labcorp Genetics (formerly Invitae), Labcorp
Classification: Uncertain significance for Renal cell carcinoma. Last evaluated: 2025-02-02. Review status: criteria provided, single submitter. Criteria: Invitae Variant Classification Sherloc (09022015). Collection method: clinical testing. Allele origin: germline.
Comment: This sequence change replaces valine, which is neutral and non-polar, with leucine, which is neutral and non-polar, at codon 1088 of the MET protein (p.Val1088Leu). This variant is not present in population databases (gnomAD no frequency). This variant has not been reported in the literature in individuals affected with MET-related conditions. ClinVar contains an entry for this variant (Variation ID: 958823). Invitae Evidence Modeling of protein sequence and biophysical properties (such as structural, functional, and spatial information, amino acid conservation, physicochemical variation, residue mobility, and thermodynamic stability) indicates that this missense variant is not expected to disrupt MET protein function with a negative predictive value of 80%. In summary, the available evidence is currently insufficient to determine the role of this variant in disease. Therefore, it has been classified as a Variant of Uncertain Significance.

Fulgent Genetics
Classification: Uncertain significance for Hepatocellular carcinoma; Papillary renal cell carcinoma type 1; Osteofibrous dysplasia; Autosomal recessive nonsyndromic hearing loss 97; Arthrogryposis, distal, IIa 11. Last evaluated: 2024-05-08. Review status: criteria provided, single submitter. Criteria: ACMG Guidelines, 2015. Collection method: clinical testing. Allele origin: germline.

Ambry Genetics
Classification: Uncertain significance for Hereditary cancer-predisposing syndrome. Last evaluated: 2023-09-11. Review status: criteria provided, single submitter. Criteria: Ambry Variant Classification Scheme 2023. Collection method: clinical testing. Allele origin: germline.
Comment: The p.V1088L variant (also known as c.3262G>T), located in coding exon 14 of the MET gene, results from a G to T substitution at nucleotide position 3262. The valine at codon 1088 is replaced by leucine, an amino acid with highly similar properties. This amino acid position is highly conserved in available vertebrate species. In addition, the in silico prediction for this alteration is inconclusive. Since supporting evidence is limited at this time, the clinical significance of this alteration remains unclear.

NM_000245.4(MET):c.3208G>T (p.Val1070Leu)

Gene: MET (MET proto-oncogene, receptor tyrosine kinase; plus strand). Cytogenetic location: 7q31.2.
Variant type: single nucleotide variant.
Coding change: c.3208G>T on transcript NM_000245.4 (MANE Select); coding-DNA position 3208, G replaced by T.
Protein change: p.Val1070Leu; replaces valine 1070 with leucine.
Molecular consequence: missense variant.
Genome position (GRCh38, 1-based): chr7:116,775,060, G>T. VCF-style: chr7-116775060-G-T. GRCh37 (hg19) VCF-style: chr7-116415114-G-T.
Other names: c.3262G>T, p.Val1088Leu (NM_001127500.3); c.1918G>T, p.Val640Leu (NM_001324402.2); short protein forms V1088L, V640L, V1070L.
Identifiers: ClinVar variation 958823 (VCV000958823.14), dbSNP rs760285693, ClinGen allele CA4448663.